The following is an entry in ClinVar:

ClinVar aggregate classification (germline): Uncertain significance (1 of 4 stars; one submission).

Allele frequency attached by ClinVar (database versions not stated): gnomAD 0.00001 and 0.00002; ExAC 0.00004; gnomAD exomes 0.00005; 1000 Genomes Project 30x 0.00016; 1000 Genomes Project 0.00020.
gnomAD v4.1: 14 of 1,614,176 alleles (0.00087%); highest among the groups gnomAD compares: East Asian, 0.031%; no homozygotes.

Submission:

Labcorp Genetics (formerly Invitae), Labcorp
Classification: Uncertain significance. Last evaluated: 2021-07-24. Review status: criteria provided, single submitter. Criteria: Invitae Variant Classification Sherloc (09022015). Collection method: clinical testing. Allele origin: germline.
Comment: In summary, the available evidence is currently insufficient to determine the role of this variant in disease. Therefore, it has been classified as a Variant of Uncertain Significance. Algorithms developed to predict the effect of missense changes on protein structure and function are either unavailable or do not agree on the potential impact of this missense change (SIFT: "Deleterious"; PolyPhen-2: "Possibly Damaging"; Align-GVGD: "Class C0"). This variant has not been reported in the literature in individuals affected with MARVELD2-related conditions. This variant is present in population databases (rs200786635, ExAC 0.06%). This sequence change replaces threonine with arginine at codon 451 of the MARVELD2 protein (p.Thr451Arg). The threonine residue is highly conserved and there is a moderate physicochemical difference between threonine and arginine.

NM_001038603.3(MARVELD2):c.1352C>G (p.Thr451Arg)

Gene: MARVELD2 (MARVEL domain containing 2; plus strand). Cytogenetic location: 5q13.2.
Variant type: single nucleotide variant.
Coding change: c.1352C>G on transcript NM_001038603.3 (MANE Select); coding-DNA position 1352, C replaced by G.
Protein change: p.Thr451Arg; replaces threonine 451 with arginine.
Molecular consequence: missense variant.
Genome position (GRCh38, 1-based): chr5:69,432,942, C>G. VCF-style: chr5-69432942-C-G. GRCh37 (hg19) VCF-style: chr5-68728769-C-G.
Other names: c.1316C>G, p.Thr439Arg (NM_001244734.2); short protein forms T439R, T451R.
Identifiers: ClinVar variation 1416027 (VCV001416027.7), dbSNP rs200786635, ClinGen allele CA3294247.